The following is an entry in ClinVar:

NM_001367624.2(ZNF469):c.11530C>G (p.Pro3844Ala)

Gene: ZNF469 (zinc finger protein 469; plus strand). Cytogenetic location: 16q24.2.
Variant type: single nucleotide variant.
Coding change: c.11530C>G on transcript NM_001367624.2 (MANE Select); coding-DNA position 11530, C replaced by G.
Protein change: p.Pro3844Ala; replaces proline 3844 with alanine.
Molecular consequence: missense variant.
Genome position (GRCh38, 1-based): chr16:88,439,000, C>G. VCF-style: chr16-88439000-C-G. GRCh37 (hg19) VCF-style: chr16-88505408-C-G.
Other names: NM_001127464.1:c.11446C>G; short protein forms P3844A.
Identifiers: ClinVar variation 1732021 (VCV001732021.3), dbSNP rs866162306, ClinGen allele CA397130347.

ClinVar aggregate classification (germline): Uncertain significance. Review status: criteria provided, multiple submitters, no conflicts (2 of 4 stars). 2 submissions from 2 submitters: Uncertain significance (2). Last evaluated 2025-07-08.

Conditions:
Cardiovascular phenotype. Identifiers: MedGen CN230736.

Submissions (2):

Labcorp Genetics (formerly Invitae), Labcorp
Classification: Uncertain significance. Last evaluated: 2025-07-08. Review status: criteria provided, single submitter. Criteria: Invitae Variant Classification Sherloc (09022015). Collection method: clinical testing. Allele origin: germline.
Comment: This sequence change replaces proline, which is neutral and non-polar, with alanine, which is neutral and non-polar, at codon 3816 of the ZNF469 protein (p.Pro3816Ala). This variant is not present in population databases (gnomAD no frequency). This variant has not been reported in the literature in individuals affected with ZNF469-related conditions. ClinVar contains an entry for this variant (Variation ID: 1732021). An algorithm developed to predict the effect of missense changes on protein structure and function outputs the following: PolyPhen-2: "Benign". The alanine amino acid residue is found in multiple mammalian species, which suggests that this missense change does not adversely affect protein function. In summary, the available evidence is currently insufficient to determine the role of this variant in disease. Therefore, it has been classified as a Variant of Uncertain Significance.

Ambry Genetics
Classification: Uncertain significance for Cardiovascular phenotype. Last evaluated: 2022-04-09. Review status: criteria provided, single submitter. Criteria: Ambry Variant Classification Scheme 2023. Collection method: clinical testing. Allele origin: germline.
Comment: The p.P3816A variant (also known as c.11446C>G), located in coding exon 2 of the ZNF469 gene, results from a C to G substitution at nucleotide position 11446. The proline at codon 3816 is replaced by alanine, an amino acid with highly similar properties. This amino acid position is conserved. In addition, this alteration is predicted to be tolerated by in silico analysis. Since supporting evidence is limited at this time, the clinical significance of this alteration remains unclear.